The following is an entry in ClinVar:

ClinVar aggregate classification (germline): Uncertain significance (1 of 4 stars; one submission).

Submission:

Labcorp Genetics (formerly Invitae), Labcorp
Classification: Uncertain significance. Last evaluated: 2019-09-14. Review status: criteria provided, single submitter. Criteria: Invitae Variant Classification Sherloc (09022015). Collection method: clinical testing. Allele origin: germline.
Comment: This variant is not present in population databases (ExAC no frequency). This variant has not been reported in the literature in individuals with ZNF513-related conditions. Algorithms developed to predict the effect of missense changes on protein structure and function (SIFT, PolyPhen-2, Align-GVGD) all suggest that this variant is likely to be disruptive, but these predictions have not been confirmed by published functional studies and their clinical significance is uncertain. In summary, the available evidence is currently insufficient to determine the role of this variant in disease. Therefore, it has been classified as a Variant of Uncertain Significance. This sequence change replaces histidine with leucine at codon 196 of the ZNF513 protein (p.His196Leu). The histidine residue is highly conserved and there is a moderate physicochemical difference between histidine and leucine.

NM_144631.6(ZNF513):c.587A>T (p.His196Leu)

Gene: ZNF513 (zinc finger protein 513; minus strand). Cytogenetic location: 2p23.3.
Variant type: single nucleotide variant.
Coding change: c.587A>T on transcript NM_144631.6 (MANE Select); coding-DNA position 587, A replaced by T.
Protein change: p.His196Leu; replaces histidine 196 with leucine.
Molecular consequence: missense variant.
Genome position (GRCh38, 1-based): chr2:27,378,679, T>A on the plus strand (A>T on the coding strand, the complement: ZNF513 is on the minus strand). VCF-style: chr2-27378679-T-A. GRCh37 (hg19) VCF-style: chr2-27601546-T-A.
Other names: c.401A>T, p.His134Leu (NM_001201459.2); short protein forms H134L, H196L.
Identifiers: ClinVar variation 939985 (VCV000939985.9), dbSNP rs1683469417, ClinGen allele CA346218070.